The following is an entry in ClinVar:

ClinVar aggregate classification (germline): Uncertain significance (1 of 4 stars; one submission).

Conditions:
FBRSL1-related disorder. Also called: FBRSL1-related condition.

Submission:

PreventionGenetics, part of Exact Sciences
Classification: Uncertain significance for FBRSL1-related condition. Last evaluated: 2023-04-18. Review status: criteria provided, single submitter. Criteria: ACMG Guidelines, 2015. Collection method: clinical testing. Allele origin: germline.
Comment: The FBRSL1 c.430C>T variant is predicted to result in premature protein termination (p.Gln144*). To our knowledge, this variant has not been reported in the literature or in a large population database, indicating this variant is rare. Limited variants have been reported in the FBRSL1 gene. Although we suspect that this variant may be pathogenic, at this time, the clinical significance of this variant is uncertain due to the absence of conclusive functional and genetic evidence.

NM_001367871.1(FBRSL1):c.430C>T (p.Gln144Ter)

Gene: FBRSL1 (fibrosin like 1; plus strand). Cytogenetic location: 12q24.33.
Variant type: single nucleotide variant.
Coding change: c.430C>T on transcript NM_001367871.1 (MANE Select); coding-DNA position 430, C replaced by T.
Protein change: p.Gln144Ter; replaces glutamine 144 with a stop codon.
Molecular consequence: nonsense. On other transcripts: non-coding transcript variant (1).
Genome position (GRCh38, 1-based): chr12:132,508,291, C>T. VCF-style: chr12-132508291-C-T. GRCh37 (hg19) VCF-style: chr12-133084877-C-T.
Other names: c.430C>T, p.Gln144Ter (NM_001142641.2, NM_001382739.1, NM_001382740.1 and 2 more transcripts); c.133C>T, p.Gln45Ter (NM_001382742.1); short protein forms Q144*, Q45*.
Identifiers: ClinVar variation 2633161 (VCV002633161.1), dbSNP rs2541118501, ClinGen allele CA387351919.